The following is an entry in ClinVar:

NM_000138.5(FBN1):c.331T>C (p.Cys111Arg)

Gene: FBN1 (fibrillin 1; minus strand). Cytogenetic location: 15q21.1.
Variant type: single nucleotide variant.
Coding change: c.331T>C on transcript NM_000138.5 (MANE Select); coding-DNA position 331, T replaced by C.
Protein change: p.Cys111Arg; replaces cysteine 111 with arginine.
Molecular consequence: missense variant.
Genome position (GRCh38, 1-based): chr15:48,610,743, A>G on the plus strand (T>C on the coding strand, the complement: FBN1 is on the minus strand). VCF-style: chr15-48610743-A-G. GRCh37 (hg19) VCF-style: chr15-48902940-A-G.
Other names: c.331T>C, p.Cys111Arg (NM_001406716.1, NM_001406717.1); short protein forms C111R.
Identifiers: ClinVar variation 2925584 (VCV002925584.4), dbSNP rs2505775597, ClinGen allele CA392446851.

ClinVar aggregate classification (germline): Pathogenic/Likely pathogenic. Review status: criteria provided, multiple submitters, no conflicts (2 of 4 stars). 2 submissions from 2 submitters: Pathogenic (1); Likely pathogenic (1). Last evaluated 2026-04-13.

Conditions:
Marfan syndrome (MFS). Also called: MARFAN SYNDROME, TYPE I; Marfan syndrome type 1; Marfan's syndrome; Marfan syndrome, classic; FBN1-Related Marfan Syndrome. Identifiers: Orphanet 284963, Orphanet 558, MedGen C0024796, MONDO:0007947, OMIM 154700.
Familial thoracic aortic aneurysm and aortic dissection (TAAD). Also called: Thoracic aortic aneurysms and dissections. Identifiers: Orphanet 91387, MedGen C4707243, MONDO:0019625.

Submissions (2):

Ambry Genetics
Classification: Likely pathogenic for Familial thoracic aortic aneurysm and aortic dissection. Last evaluated: 2026-04-13. Review status: criteria provided, single submitter. Criteria: Ambry Variant Classification Scheme 2023. Collection method: clinical testing. Allele origin: germline.
Comment: The c.331T>C (p.C111R) alteration is located in exon 4 (coding exon 3) of the FBN1 gene. This alteration results from a T to C substitution at nucleotide position 331, causing the cysteine (C) at amino acid position 111 to be replaced by an arginine (R). This variant was not reported in population-based cohorts in the Genome Aggregation Database (gnomAD). This variant was reported in individual(s) with features consistent with Marfan syndrome (Hayward, 1997; external communication). This amino acid position is highly conserved in available vertebrate species. The majority of FBN1 mutations identified to date have involved the substitution or generation of cysteine residues within cbEGF domains (Vollbrandt, 2004). Internal structural analysis indicates this alteration eliminates a disulfide bond critical for the structural integrity of the cbEGF domain (Ambry internal data). This alteration is predicted to be deleterious by in silico analysis. Based on the available evidence, this alteration is classified as likely pathogenic.

Labcorp Genetics (formerly Invitae), Labcorp
Classification: Pathogenic for Marfan syndrome; Familial thoracic aortic aneurysm and aortic dissection. Last evaluated: 2023-01-31. Review status: criteria provided, single submitter. Criteria: Invitae Variant Classification Sherloc (09022015). Collection method: clinical testing. Allele origin: germline.
Comment: For these reasons, this variant has been classified as Pathogenic. This variant disrupts the p.Cys111 amino acid residue in FBN1. Other variant(s) that disrupt this residue have been observed in individuals with FBN1-related conditions (PMID: 9338581, 26787436, 31830381), which suggests that this may be a clinically significant amino acid residue. This variant affects a cysteine residue in the EGF-like, TGFBP or hybrid motif domains of FBN1. Cysteine residues are believed to be involved in intramolecular disulfide bridges and have been shown to be important for FBN1 protein structure (PMID: 16905551, 19349279). In addition, missense substitutions affecting cysteine residues within these domains are significantly overrepresented among patients with Marfan syndrome (PMID: 16571647, 17701892). Advanced modeling of protein sequence and biophysical properties (such as structural, functional, and spatial information, amino acid conservation, physicochemical variation, residue mobility, and thermodynamic stability) performed at Invitae indicates that this missense variant is expected to disrupt FBN1 protein function. This missense change has been observed in individuals with Marfan syndrome (PMID: 9338581; Invitae). This variant is not present in population databases (gnomAD no frequency). This sequence change replaces cysteine, which is neutral and slightly polar, with arginine, which is basic and polar, at codon 111 of the FBN1 protein (p.Cys111Arg).

Literature cited by the submitters: PubMed 9338581 (cited by Ambry Genetics and Labcorp Genetics (formerly Invitae), Labcorp); PubMed 15161917 (cited by Ambry Genetics); PubMed 26787436 (cited by Labcorp Genetics (formerly Invitae), Labcorp); PubMed 31830381 (cited by Labcorp Genetics (formerly Invitae), Labcorp); PubMed 16905551 (cited by Labcorp Genetics (formerly Invitae), Labcorp); PubMed 19349279 (cited by Labcorp Genetics (formerly Invitae), Labcorp); PubMed 16571647 (cited by Labcorp Genetics (formerly Invitae), Labcorp); PubMed 17701892 (cited by Labcorp Genetics (formerly Invitae), Labcorp).